The following is an entry in ClinVar:

ClinVar aggregate classification (germline): Benign/Likely benign. Review status: criteria provided, multiple submitters, no conflicts (2 of 4 stars). 2 submissions from 2 submitters: Benign (1); Likely benign (1). Last evaluated 2025-09-03.

Conditions:
Cortical dysplasia-focal epilepsy syndrome (PTHSL1). Also called: Pitt-Hopkins-like syndrome 1. Identifiers: Orphanet 163681, Orphanet 221150, MedGen C2750246, MONDO:0012400, OMIM 610042.

Allele frequency attached by ClinVar (database versions not stated): TOPMed 0.00002; gnomAD 0.00003 and 0.00005; gnomAD exomes 0.00007; ESP Exome Variant Server 0.00008; ExAC 0.00011.
gnomAD v4.1: 95 of 1,614,044 alleles (0.0059%); highest among the groups gnomAD compares: South Asian, 0.076%; 1 homozygote.

Submissions (2):

Labcorp Genetics (formerly Invitae), Labcorp
Classification: Likely benign for Cortical dysplasia-focal epilepsy syndrome. Last evaluated: 2025-09-03. Review status: criteria provided, single submitter. Criteria: Invitae Variant Classification Sherloc (09022015). Collection method: clinical testing. Allele origin: germline.

GeneDx
Classification: Benign. Last evaluated: 2014-06-04. Review status: criteria provided, single submitter. Criteria: GeneDx Variant Classification (06012015). Collection method: clinical testing. Allele origin: germline. Affected: yes.
Comment: This variant is considered likely benign or benign based on one or more of the following criteria: it is a conservative change, it occurs at a poorly conserved position in the protein, it is predicted to be benign by multiple in silico algorithms, and/or has population frequency not consistent with disease.

NM_014141.6(CNTNAP2):c.3654G>A (p.Pro1218=)

Gene: CNTNAP2 (contactin associated protein 2; plus strand). Cytogenetic location: 7q36.1.
Variant type: single nucleotide variant.
Coding change: c.3654G>A on transcript NM_014141.6 (MANE Select); coding-DNA position 3654, G replaced by A.
Protein change: p.Pro1218=; no amino-acid change (proline 1218 retained).
Molecular consequence: synonymous variant.
Genome position (GRCh38, 1-based): chr7:148,383,827, G>A. VCF-style: chr7-148383827-G-A. GRCh37 (hg19) VCF-style: chr7-148080919-G-A.
Other names: p.P1218P:CCG>CCA.
Identifiers: ClinVar variation 136830 (VCV000136830.10), dbSNP rs141764220, ClinGen allele CA290191.
Genomic context (GRCh38, chr7:148,383,827, plus strand): 5'-CGCCTCGGCTCACGTCCACATCCAGGGCGAGCTGGTGGAGTCCAACTGCGGGGCCTCGCC[G>A]CTGACCCTCTCCCCCATGTCGTCCGCCACCGACCCCTGGCACCTGGATCACCTGGATTCA-3'
Protein context (NP_054860.1, residues 1208-1228): ELVESNCGAS[Pro1218=]LTLSPMSSAT